The following is an entry in ClinVar:

ClinVar aggregate classification (germline): Likely benign. Review status: criteria provided, multiple submitters, no conflicts (2 of 4 stars). 2 submissions from 2 submitters: Likely benign (2). Last evaluated 2018-06-14.

Allele frequency attached by ClinVar (database versions not stated): 1000 Genomes Project 0.00619; 1000 Genomes Project 30x 0.00640; TOPMed 0.01024; gnomAD exomes 0.01088; ExAC 0.01108; gnomAD 0.01118 and 0.01144; ESP Exome Variant Server 0.01169.
gnomAD v4.1: 21,044 of 1,596,222 alleles (1.3%); highest among the groups gnomAD compares: Non-Finnish European, 1.5%; 160 homozygotes.

Submissions (2):

GeneDx
Classification: Likely benign. Last evaluated: 2018-06-14. Review status: criteria provided, single submitter. Criteria: GeneDx Variant Classification (06012015). Collection method: clinical testing. Allele origin: germline. Affected: yes.
Comment: This variant is considered likely benign or benign based on one or more of the following criteria: it is a conservative change, it occurs at a poorly conserved position in the protein, it is predicted to be benign by multiple in silico algorithms, and/or has population frequency not consistent with disease.

Breakthrough Genomics
Classification: Likely benign. Review status: criteria provided, single submitter. Criteria: ACMG Guidelines, 2015. Collection method: not provided. Allele origin: germline. Inheritance: Autosomal dominant inheritance. Affected: yes.

NM_000393.5(COL5A2):c.906+28A>G

Gene: COL5A2 (collagen type V alpha 2 chain; minus strand). Cytogenetic location: 2q32.2.
Variant type: single nucleotide variant.
Coding change: c.906+28A>G on transcript NM_000393.5 (MANE Select); 28 bases into the intron after coding-DNA position 906, A replaced by G.
Molecular consequence: intron variant.
Genome position (GRCh38, 1-based): chr2:189,080,962, T>C on the plus strand (A>G on the coding strand, the complement: COL5A2 is on the minus strand). VCF-style: chr2-189080962-T-C. GRCh37 (hg19) VCF-style: chr2-189945688-T-C.
Identifiers: ClinVar variation 673585 (VCV000673585.2), dbSNP rs146340989, ClinGen allele CA2022907.